The following is an entry in ClinVar:

NM_001145026.2(PTPRQ):c.5057A>T (p.Asp1686Val)

Gene: PTPRQ (protein tyrosine phosphatase receptor type Q; plus strand). Cytogenetic location: 12q21.31.
Variant type: single nucleotide variant.
Coding change: c.5057A>T on transcript NM_001145026.2 (MANE Select); coding-DNA position 5057, A replaced by T.
Protein change: p.Asp1686Val; replaces aspartic acid 1686 with valine.
Molecular consequence: missense variant.
Genome position (GRCh38, 1-based): chr12:80,613,730, A>T. VCF-style: chr12-80613730-A-T. GRCh37 (hg19) VCF-style: chr12-81007509-A-T.
Other names: short protein forms D1686V.
Identifiers: ClinVar variation 1312471 (VCV001312471.3), dbSNP rs370661036, ClinGen allele CA6702782.

ClinVar aggregate classification (germline): Uncertain significance (1 of 4 stars; one submission).

Allele frequency attached by ClinVar (database versions not stated): gnomAD exomes 0.00008; ExAC 0.00010.
gnomAD v4.1: 57 of 1,546,090 alleles (0.0037%); highest among the groups gnomAD compares: South Asian, 0.037%; no homozygotes.

Submission:

GeneDx
Classification: Uncertain significance. Last evaluated: 2025-08-10. Review status: criteria provided, single submitter. Criteria: GeneDx Variant Classification Process June 2021. Collection method: clinical testing. Allele origin: germline. Affected: yes.
Comment: In silico analysis supports that this missense variant has a deleterious effect on protein structure/function; This variant is associated with the following publications: (PMID: 34515852)